The following is an entry in ClinVar:

NM_004239.4(TRIP11):c.139+291G>T

Gene: TRIP11 (thyroid hormone receptor interactor 11; minus strand). Cytogenetic location: 14q32.12.
Variant type: single nucleotide variant.
Coding change: c.139+291G>T on transcript NM_004239.4 (MANE Select); 291 bases into the intron after coding-DNA position 139, G replaced by T.
Molecular consequence: intron variant.
Genome position (GRCh38, 1-based): chr14:92,039,256, C>A on the plus strand (G>T on the coding strand, the complement: TRIP11 is on the minus strand). VCF-style: chr14-92039256-C-A. GRCh37 (hg19) VCF-style: chr14-92505600-C-A.
Other names: c.139+291G>T (NM_001321851.1).
Identifiers: ClinVar variation 667761 (VCV000667761.1), dbSNP rs2295174, ClinGen allele CA13983026.

ClinVar aggregate classification (germline): Benign (1 of 4 stars; one submission).

Allele frequency attached by ClinVar (database versions not stated): 1000 Genomes Project 0.75020; 1000 Genomes Project 30x 0.75593; gnomAD 0.79134 and 0.79561; TOPMed 0.79496.
gnomAD v4.1: 120,385 of 152,096 alleles (79%); highest among the groups gnomAD compares: African/African-American, 87%; 48,053 homozygotes.

Submission:

GeneDx
Classification: Benign. Last evaluated: 2018-06-14. Review status: criteria provided, single submitter. Criteria: GeneDx Variant Classification (06012015). Collection method: clinical testing. Allele origin: germline. Affected: yes.
Comment: This variant is considered likely benign or benign based on one or more of the following criteria: it is a conservative change, it occurs at a poorly conserved position in the protein, it is predicted to be benign by multiple in silico algorithms, and/or has population frequency not consistent with disease.